The following is an entry in ClinVar:

NM_152381.6(XIRP2):c.216T>C (p.Ser72=)

Gene: XIRP2 (xin actin binding repeat containing 2; plus strand). Cytogenetic location: 2q24.3.
Variant type: single nucleotide variant.
Coding change: c.216T>C on transcript NM_152381.6 (MANE Select); coding-DNA position 216, T replaced by C.
Protein change: p.Ser72=; no amino-acid change (serine 72 retained).
Molecular consequence: synonymous variant.
Genome position (GRCh38, 1-based): chr2:166,903,698, T>C. VCF-style: chr2-166903698-T-C. GRCh37 (hg19) VCF-style: chr2-167760208-T-C.
Other names: c.216T>C, p.Ser72= (NM_001079810.4, NM_001199143.2); c.216T>C (NM_152381.5).
Identifiers: ClinVar variation 756167 (VCV000756167.5), dbSNP rs555589314, ClinGen allele CA1946083.

ClinVar aggregate classification (germline): Likely benign. Review status: criteria provided, single submitter (1 of 4 stars). 2 submissions from 2 submitters: Likely benign (1). 1 of the submissions does not count toward it. Last evaluated 2018-06-29.

Conditions:
XIRP2-related disorder. Also called: XIRP2-related condition.

Allele frequency attached by ClinVar (database versions not stated): gnomAD exomes 0.00005 and 0.00013; gnomAD 0.00006 and 0.00009; TOPMed 0.00008; ExAC 0.00013; 1000 Genomes Project 30x 0.00016; 1000 Genomes Project 0.00020.
gnomAD v4.1: 94 of 1,613,414 alleles (0.0058%); highest among the groups gnomAD compares: East Asian, 0.17%; no homozygotes.

Submissions (2):

Labcorp Genetics (formerly Invitae), Labcorp
Classification: Likely benign. Last evaluated: 2018-06-29. Review status: criteria provided, single submitter. Criteria: Invitae Variant Classification Sherloc (09022015). Collection method: clinical testing. Allele origin: germline.

PreventionGenetics, part of Exact Sciences
Classification: Likely benign for XIRP2-related condition. Last evaluated: 2019-06-26. Review status: no assertion criteria provided. Collection method: clinical testing. Allele origin: germline. Not counted in ClinVar's aggregate classification.
Comment: This variant is classified as likely benign based on ACMG/AMP sequence variant interpretation guidelines (Richards et al. 2015 PMID: 25741868, with internal and published modifications).